The following is an entry in ClinVar:

NM_000051.4(ATM):c.6788G>A (p.Arg2263Lys)

Genes: ATM (ATM serine/threonine kinase; plus strand), C11orf65 (chromosome 11 open reading frame 65; minus strand). Cytogenetic location: 11q22.3.
Variant type: single nucleotide variant.
Coding change: c.6788G>A on transcript NM_000051.4 (MANE Select); coding-DNA position 6788, G replaced by A.
Protein change: p.Arg2263Lys; replaces arginine 2263 with lysine.
Molecular consequence: missense variant. On other transcripts: intron variant (2).
Genome position (GRCh38, 1-based): chr11:108,325,525, G>A. VCF-style: chr11-108325525-G-A. GRCh37 (hg19) VCF-style: chr11-108196252-G-A.
Other names: c.6788G>A, p.Arg2263Lys (NM_001351834.2); c.641-16454C>T (NM_001330368.2); c.*38+9695C>T (NM_001351110.2); short protein forms R2263K.
Identifiers: ClinVar variation 2767131 (VCV002767131.4), dbSNP rs2136318396, ClinGen allele CA382555499.

ClinVar aggregate classification (germline): Uncertain significance. Review status: criteria provided, multiple submitters, no conflicts (2 of 4 stars). 2 submissions from 2 submitters: Uncertain significance (2). Last evaluated 2023-10-23.

Conditions:
Ataxia-telangiectasia syndrome (AT). Also called: LOUIS-BAR SYNDROME; Cerebello-oculocutaneous telangiectasia; Immunodeficiency with ataxia telangiectasia; Ataxia telangiectasia (A-T); Ataxia-telangiectasia, complementation group D; AT, COMPLEMENTATION GROUP C. Identifiers: Orphanet 100, MedGen C0004135, MONDO:0008840, OMIM 208900.
Hereditary cancer-predisposing syndrome. Also called: Tumor predisposition; Neoplastic Syndromes, Hereditary; Hereditary Cancer Syndrome; Hereditary neoplastic syndrome. Identifiers: Orphanet 140162, MedGen C0027672, MeSH D009386, MONDO:0015356.

Submissions (2):

Ambry Genetics
Classification: Uncertain significance for Hereditary cancer-predisposing syndrome. Last evaluated: 2023-10-23. Review status: criteria provided, single submitter. Criteria: Ambry Variant Classification Scheme 2023. Collection method: clinical testing. Allele origin: germline.
Comment: The p.R2263K variant (also known as c.6788G>A), located in coding exon 45 of the ATM gene, results from a G to A substitution at nucleotide position 6788. The arginine at codon 2263 is replaced by lysine, an amino acid with highly similar properties. This amino acid position is conserved. In addition, this alteration is predicted to be deleterious by in silico analysis. Since supporting evidence is limited at this time, the clinical significance of this alteration remains unclear.

Labcorp Genetics (formerly Invitae), Labcorp
Classification: Uncertain significance for Ataxia-telangiectasia syndrome. Last evaluated: 2023-10-09. Review status: criteria provided, single submitter. Criteria: Invitae Variant Classification Sherloc (09022015). Collection method: clinical testing. Allele origin: germline.
Comment: This sequence change replaces arginine, which is basic and polar, with lysine, which is basic and polar, at codon 2263 of the ATM protein (p.Arg2263Lys). This variant is not present in population databases (gnomAD no frequency). This variant has not been reported in the literature in individuals affected with ATM-related conditions. An algorithm developed to predict the effect of missense changes on protein structure and function (PolyPhen-2) suggests that this variant is likely to be disruptive. In summary, the available evidence is currently insufficient to determine the role of this variant in disease. Therefore, it has been classified as a Variant of Uncertain Significance.